The following is an entry in ClinVar:

NM_018489.3(ASH1L):c.7504A>G (p.Thr2502Ala)

Gene: ASH1L (ASH1 like histone lysine methyltransferase; minus strand). Cytogenetic location: 1q22.
Variant type: single nucleotide variant.
Coding change: c.7504A>G on transcript NM_018489.3 (MANE Select); coding-DNA position 7504, A replaced by G.
Protein change: p.Thr2502Ala; replaces threonine 2502 with alanine.
Molecular consequence: missense variant.
Genome position (GRCh38, 1-based): chr1:155,349,377, T>C on the plus strand (A>G on the coding strand, the complement: ASH1L is on the minus strand). VCF-style: chr1-155349377-T-C. GRCh37 (hg19) VCF-style: chr1-155319168-T-C.
Other names: c.7519A>G, p.Thr2507Ala (NM_001366177.2); short protein forms T2502A, T2507A.
Identifiers: ClinVar variation 3361238 (VCV003361238.1).

ClinVar aggregate classification (germline): Uncertain significance (1 of 4 stars; one submission).

Submission:

GeneDx
Classification: Uncertain significance. Last evaluated: 2023-07-23. Review status: criteria provided, single submitter. Criteria: GeneDx Variant Classification Process June 2021. Collection method: clinical testing. Allele origin: germline. Affected: yes.
Comment: Not observed at significant frequency in large population cohorts (gnomAD); In silico analysis supports that this missense variant has a deleterious effect on protein structure/function; Has not been previously published as pathogenic or benign to our knowledge